The following is an entry in ClinVar:

ClinVar aggregate classification (germline): Uncertain significance (1 of 4 stars; one submission).

gnomAD v4.1: 18 of 1,611,960 alleles (0.0011%); highest among the groups gnomAD compares: East Asian, 0.0067%; no homozygotes.

Submission:

Labcorp Genetics (formerly Invitae), Labcorp
Classification: Uncertain significance. Last evaluated: 2024-12-05. Review status: criteria provided, single submitter. Criteria: Invitae Variant Classification Sherloc (09022015). Collection method: clinical testing. Allele origin: germline.
Comment: This sequence change replaces valine, which is neutral and non-polar, with methionine, which is neutral and non-polar, at codon 270 of the STEAP3 protein (p.Val270Met). This variant is present in population databases (rs770630600, gnomAD 0.02%). This variant has not been reported in the literature in individuals affected with STEAP3-related conditions. An algorithm developed to predict the effect of missense changes on protein structure and function (PolyPhen-2) suggests that this variant is likely to be disruptive. In summary, the available evidence is currently insufficient to determine the role of this variant in disease. Therefore, it has been classified as a Variant of Uncertain Significance.

NM_182915.3(STEAP3):c.838G>A (p.Val280Met)

Genes: STEAP3 (STEAP3 metalloreductase; plus strand), STEAP3-AS1 (STEAP3 antisense RNA 1; minus strand). Cytogenetic location: 2q14.2.
Variant type: single nucleotide variant.
Coding change: c.838G>A on transcript NM_182915.3 (MANE Select); coding-DNA position 838, G replaced by A.
Protein change: p.Val280Met; replaces valine 280 with methionine.
Molecular consequence: missense variant.
Genome position (GRCh38, 1-based): chr2:119,247,994, G>A. VCF-style: chr2-119247994-G-A. GRCh37 (hg19) VCF-style: chr2-120005570-G-A.
Other names: c.808G>A, p.Val270Met (NM_001008410.2, NM_018234.3, NM_138637.3); short protein forms V270M, V280M.
Identifiers: ClinVar variation 3626023 (VCV003626023.2).